The following is an entry in ClinVar:

ClinVar aggregate classification (germline): Uncertain significance. Review status: criteria provided, single submitter (1 of 4 stars). 2 submissions from 2 submitters: Uncertain significance (1). 1 of the submissions does not count toward it. Last evaluated 2019-09-23.

Conditions:
CFTR-related disorder (CFTR-RD). Also called: CFTR-related condition; CFTR-related disorders. Identifiers: MedGen C5924204, MONDO:7770004.

Allele frequency attached by ClinVar (database versions not stated): gnomAD exomes below 0.00001.
gnomAD v4.1: 1 of 1,603,620 alleles (0.000062%); highest among the groups gnomAD compares: East Asian, 0.0022%; no homozygotes.

Submissions (2):

Women's Health and Genetics/Laboratory Corporation of America, LabCorp
Classification: Uncertain significance. Last evaluated: 2019-09-23. Review status: criteria provided, single submitter. Criteria: LabCorp Variant Classification Summary - May 2015. Collection method: clinical testing. Allele origin: germline.
Comment: Variant summary: CFTR c.134C>G (p.Ser45Cys) results in a non-conservative amino acid change in the encoded protein sequence. Five of five in-silico tools predict a damaging effect of the variant on protein function. The variant was absent in 250758 control chromosomes. The available data on variant occurrences in the general population are insufficient to allow any conclusion about variant significance. To our knowledge, no occurrence of c.134C>G in individuals affected with Cystic Fibrosis and no experimental evidence demonstrating its impact on protein function have been reported. No clinical diagnostic laboratories have submitted clinical-significance assessments for this variant to ClinVar after 2014. Based on the evidence outlined above, the variant was classified as uncertain significance.

Natera, Inc.
Classification: Uncertain significance for CFTR-related disorders. Last evaluated: 2019-12-09. Review status: no assertion criteria provided. Collection method: clinical testing. Allele origin: germline. Not counted in ClinVar's aggregate classification.

NM_000492.4(CFTR):c.134C>G (p.Ser45Cys)

Gene: CFTR (CF transmembrane conductance regulator; plus strand). Cytogenetic location: 7q31.2.
Variant type: single nucleotide variant.
Coding change: c.134C>G on transcript NM_000492.4 (MANE Select); coding-DNA position 134, C replaced by G.
Protein change: p.Ser45Cys; replaces serine 45 with cysteine.
Molecular consequence: missense variant.
Genome position (GRCh38, 1-based): chr7:117,504,333, C>G. VCF-style: chr7-117504333-C-G. GRCh37 (hg19) VCF-style: chr7-117144387-C-G.
Other names: short protein forms S45C.
Identifiers: ClinVar variation 929223 (VCV000929223.2), dbSNP rs1798380222, ClinGen allele CA368987358.